The following is an entry in ClinVar:

ClinVar aggregate classification (germline): Conflicting classifications of pathogenicity. Review status: criteria provided, conflicting classifications (1 of 4 stars). 2 submissions from 2 submitters: Uncertain significance (1); Benign (1). Last evaluated 2024-10-09.

Conditions:
Hereditary cancer-predisposing syndrome. Also called: Tumor predisposition; Hereditary Cancer Syndrome; Hereditary neoplastic syndrome; Neoplastic Syndromes, Hereditary. Identifiers: Orphanet 140162, MedGen C0027672, MeSH D009386, MONDO:0015356.
Familial cancer of breast. Also called: hereditary breast carcinoma; BREAST CANCER, FAMILIAL; Hereditary breast cancer. Identifiers: Orphanet 227535, MedGen C0346153, MONDO:0016419, OMIM 114480. Disease mechanism: loss of function.

Allele frequency attached by ClinVar (database versions not stated): gnomAD exomes below 0.00001.
gnomAD v4.1: 3 of 1,595,218 alleles (0.00019%); highest among the groups gnomAD compares: Non-Finnish European, 0.00025%; no homozygotes.

Submissions (2):

Myriad Genetics, Inc.
Classification: Benign for Familial cancer of breast. Last evaluated: 2024-10-09. Review status: criteria provided, single submitter. Criteria: Myriad Autosomal Dominant, Autosomal Recessive and X-Linked Classification Criteria (2023). Collection method: clinical testing. Allele origin: unknown.
Comment: This variant is considered benign. This variant occurs in the non-coding 3' untranslated region of the gene, and is not expected to impact protein function.

Ambry Genetics
Classification: Uncertain significance for Hereditary cancer-predisposing syndrome. Last evaluated: 2016-08-10. Review status: criteria provided, single submitter. Criteria: Ambry Variant Classification Scheme 2023. Collection method: clinical testing. Allele origin: germline.
Comment: The c.*2C>T variant is located in the 3' untranslated region (3&rsquo; UTR) of the CHEK2 gene. This variant results from a C to T substitution at nucleotide position *2 (2 nt after the Stop codon). This variant was not reported in population based cohorts in the following databases: Database of Single Nucleotide Polymorphisms (dbSNP), NHLBI Exome Sequencing Project (ESP), and 1000 Genomes Project. In the ESP, this variant was not observed in 3667 samples (7334 alleles) with coverage at this position. To date, this alteration has been detected with an allele frequency of approximately 0.001% (greater than 200000 alleles tested) in our clinical cohort. This nucleotide position is highly conserved in available vertebrate species. Since supporting evidence is limited at this time, the clinical significance of this alteration remains unclear.

NM_007194.4(CHEK2):c.*2C>T

Gene: CHEK2 (checkpoint kinase 2; minus strand). Cytogenetic location: 22q12.1.
Variant type: single nucleotide variant.
Coding change: c.*2C>T on transcript NM_007194.4 (MANE Select); 2 bases downstream of the stop codon, C replaced by T.
Molecular consequence: 3 prime UTR variant.
Genome position (GRCh38, 1-based): chr22:28,687,895, G>A on the plus strand (C>T on the coding strand, the complement: CHEK2 is on the minus strand). VCF-style: chr22-28687895-G-A. GRCh37 (hg19) VCF-style: chr22-29083883-G-A.
Other names: c.*2C>T (NM_001005735.3, NM_001257387.3, NM_001349956.3 and 1 more transcripts).
Identifiers: ClinVar variation 485519 (VCV000485519.6), dbSNP rs1555911522, ClinGen allele CA658656802.